The following is an entry in ClinVar:

NM_001349206.2(LPIN1):c.*2208T>C

Gene: LPIN1 (lipin 1; plus strand). Cytogenetic location: 2p25.1.
Variant type: single nucleotide variant.
Coding change: c.*2208T>C on transcript NM_001349206.2 (MANE Select); 2208 bases downstream of the stop codon, T replaced by C.
Molecular consequence: 3 prime UTR variant. On other transcripts: non-coding transcript variant (1).
Genome position (GRCh38, 1-based): chr2:11,826,999, T>C. VCF-style: chr2-11826999-T-C. GRCh37 (hg19) VCF-style: chr2-11967125-T-C.
Other names: c.*2208T>C (NM_001261427.3, NM_001261428.3, NM_001349199.2 and 9 more transcripts).
Identifiers: ClinVar variation 894568 (VCV000894568.4), dbSNP rs187949091, ClinGen allele CA42599370.

ClinVar aggregate classification (germline): Likely benign (1 of 4 stars; one submission).

Conditions:
Myoglobinuria, acute recurrent, autosomal recessive. Also called: Myoglobinuria, recurrent, autosomal recessive; MYOGLOBINURIA, FAMILIAL PAROXYSMAL PARALYTIC; RHABDOMYOLYSIS, ACUTE RECURRENT. Identifiers: Orphanet 99845, MedGen C1849386, MONDO:0009992, OMIM 268200.

Allele frequency attached by ClinVar (database versions not stated): 1000 Genomes Project 30x 0.00078; 1000 Genomes Project 0.00080; TOPMed 0.00114; gnomAD 0.00130 and 0.00131.

Submission:

Illumina Laboratory Services, Illumina
Classification: Likely benign for Myoglobinuria, acute recurrent, autosomal recessive. Last evaluated: 2018-01-12. Review status: criteria provided, single submitter. Criteria: ICSL Variant Classification Criteria 13 December 2019. Collection method: clinical testing. Allele origin: germline.
Comment: This variant was observed in the ICSL laboratory as part of a predisposition screen in an ostensibly healthy population. It had not been previously curated by ICSL or reported in the Human Gene Mutation Database (HGMD: prior to June 1st, 2018), and was therefore a candidate for classification through an automated scoring system. Utilizing variant allele frequency, disease prevalence and penetrance estimates, and inheritance mode, an automated score was calculated to assess if this variant is too frequent to cause the disease. Based on the score and internal cut-off values, a variant classified as likely benign is not then subjected to further curation. The score for this variant resulted in a classification of likely benign for this disease.